The following is an entry in ClinVar:

ClinVar aggregate classification (germline): Uncertain significance. Review status: criteria provided, multiple submitters, no conflicts (2 of 4 stars). 2 submissions from 2 submitters: Uncertain significance (2). Last evaluated 2025-01-02.

Conditions:
Hereditary cancer-predisposing syndrome. Also called: Hereditary Cancer Syndrome; Hereditary neoplastic syndrome; Neoplastic Syndromes, Hereditary; Tumor predisposition. Identifiers: Orphanet 140162, MedGen C0027672, MeSH D009386, MONDO:0015356.
Retinoblastoma (RB1). Also called: RETINOBLASTOMA, SOMATIC. Identifiers: Orphanet 790, MedGen C0035335, MeSH D012175, MONDO:0008380, OMIM 180200, HP:0009919. Disease mechanism: loss of function. Inheritance: Both sporadic and heritable forms are tested..

Submissions (2):

Ambry Genetics
Classification: Uncertain significance for Hereditary cancer-predisposing syndrome. Last evaluated: 2025-01-02. Review status: criteria provided, single submitter. Criteria: Ambry Variant Classification Scheme 2023. Collection method: clinical testing. Allele origin: germline.
Comment: The p.N390H variant (also known as c.1168A>C), located in coding exon 12 of the RB1 gene, results from an A to C substitution at nucleotide position 1168. The asparagine at codon 390 is replaced by histidine, an amino acid with similar properties. This amino acid position is conserved. In addition, the in silico prediction for this alteration is inconclusive. Since supporting evidence is limited at this time, the clinical significance of this alteration remains unclear.

Labcorp Genetics (formerly Invitae), Labcorp
Classification: Uncertain significance for Retinoblastoma. Last evaluated: 2023-01-26. Review status: criteria provided, single submitter. Criteria: Invitae Variant Classification Sherloc (09022015). Collection method: clinical testing. Allele origin: germline.
Comment: This variant is not present in population databases (gnomAD no frequency). This sequence change replaces asparagine, which is neutral and polar, with histidine, which is basic and polar, at codon 390 of the RB1 protein (p.Asn390His). This variant has not been reported in the literature in individuals affected with RB1-related conditions. In summary, the available evidence is currently insufficient to determine the role of this variant in disease. Therefore, it has been classified as a Variant of Uncertain Significance. Advanced modeling of protein sequence and biophysical properties (such as structural, functional, and spatial information, amino acid conservation, physicochemical variation, residue mobility, and thermodynamic stability) performed at Invitae indicates that this missense variant is not expected to disrupt RB1 protein function. ClinVar contains an entry for this variant (Variation ID: 1738661).

NM_000321.3(RB1):c.1168A>C (p.Asn390His)

Gene: RB1 (RB transcriptional corepressor 1; plus strand). Cytogenetic location: 13q14.2.
Variant type: single nucleotide variant.
Coding change: c.1168A>C on transcript NM_000321.3 (MANE Select); coding-DNA position 1168, A replaced by C.
Protein change: p.Asn390His; replaces asparagine 390 with histidine.
Molecular consequence: missense variant.
Genome position (GRCh38, 1-based): chr13:48,373,445, A>C. VCF-style: chr13-48373445-A-C. GRCh37 (hg19) VCF-style: chr13-48947581-A-C.
Other names: c.1168A>C, p.Asn390His (NM_001407165.1, NM_001407166.1); short protein forms N390H.
Identifiers: ClinVar variation 1738661 (VCV001738661.6), dbSNP rs2138131132, ClinGen allele CA388161517.